The following is an entry in ClinVar:

ClinVar aggregate classification (germline): Uncertain significance (1 of 4 stars; one submission).

Submission:

Mayo Clinic Laboratories, Mayo Clinic
Classification: Uncertain significance. Last evaluated: 2022-03-21. Review status: criteria provided, single submitter. Criteria: ACMG Guidelines, 2015. Collection method: clinical testing. Allele origin: germline. Observed: 1 variant allele.
Comment: PM2

NM_004360.5(CDH1):c.1613A>G (p.Asp538Gly)

Gene: CDH1 (cadherin 1; plus strand). Cytogenetic location: 16q22.1.
Variant type: single nucleotide variant.
Coding change: c.1613A>G on transcript NM_004360.5 (MANE Select); coding-DNA position 1613, A replaced by G.
Protein change: p.Asp538Gly; replaces aspartic acid 538 with glycine.
Molecular consequence: missense variant. On other transcripts: intron variant (1).
Genome position (GRCh38, 1-based): chr16:68,819,327, A>G. VCF-style: chr16-68819327-A-G. GRCh37 (hg19) VCF-style: chr16-68853230-A-G.
Other names: p.Asp538Gly; c.1430A>G, p.Asp477Gly (NM_001317184.2); c.65A>G, p.Asp22Gly (NM_001317185.2); c.-254-2674A>G (NM_001317186.2); short protein forms D22G, D477G, D538G.
Identifiers: ClinVar variation 2683371 (VCV002683371.1), dbSNP rs863224726, ClinGen allele CA396465052.